The following is an entry in ClinVar:

NM_000179.3(MSH6):c.1839G>T (p.Leu613Phe)

Gene: MSH6 (mutS homolog 6; plus strand). Cytogenetic location: 2p16.3.
Variant type: single nucleotide variant.
Coding change: c.1839G>T on transcript NM_000179.3 (MANE Select); coding-DNA position 1839, G replaced by T.
Protein change: p.Leu613Phe; replaces leucine 613 with phenylalanine.
Molecular consequence: missense variant. On other transcripts: non-coding transcript variant (4), intron variant (2).
Genome position (GRCh38, 1-based): chr2:47,799,822, G>T. VCF-style: chr2-47799822-G-T. GRCh37 (hg19) VCF-style: chr2-48026961-G-T.
Other names: c.1935G>T, p.Leu645Phe (NM_001406802.1, NM_001406795.1); c.1839G>T, p.Leu613Phe (NM_001406803.1, NM_001406808.1, NM_001406809.1 and 3 more transcripts); c.1761G>T, p.Leu587Phe (NM_001406804.1); c.1542G>T, p.Leu514Phe (NM_001406805.1, NM_001406797.1, NM_001406801.1 and 10 more transcripts); c.1314G>T, p.Leu438Phe (NM_001406806.1, NM_001406807.1, NM_001406799.1); c.933G>T, p.Leu311Phe (NM_001406811.1, NM_001406812.1, NM_001281493.2 and 6 more transcripts); c.1449G>T, p.Leu483Phe (NM_001281492.2); c.1845G>T, p.Leu615Phe (NM_001406813.1); and 3 more; short protein forms L483F, L438F, L587F, L615F, L514F, L557F, L613F, L311F.
Identifiers: ClinVar variation 2842397 (VCV002842397.3), dbSNP rs1572724608, ClinGen allele CA346749601.

ClinVar aggregate classification (germline): Uncertain significance (1 of 4 stars; one submission).

Conditions:
Hereditary nonpolyposis colorectal neoplasms. Identifiers: MedGen C0009405, MeSH D003123.

Submission:

Labcorp Genetics (formerly Invitae), Labcorp
Classification: Uncertain significance for Hereditary nonpolyposis colorectal neoplasms. Last evaluated: 2023-03-03. Review status: criteria provided, single submitter. Criteria: Invitae Variant Classification Sherloc (09022015). Collection method: clinical testing. Allele origin: germline.
Comment: This sequence change replaces leucine, which is neutral and non-polar, with phenylalanine, which is neutral and non-polar, at codon 613 of the MSH6 protein (p.Leu613Phe). This variant is not present in population databases (gnomAD no frequency). In summary, the available evidence is currently insufficient to determine the role of this variant in disease. Therefore, it has been classified as a Variant of Uncertain Significance. Advanced modeling of protein sequence and biophysical properties (such as structural, functional, and spatial information, amino acid conservation, physicochemical variation, residue mobility, and thermodynamic stability) performed at Invitae indicates that this missense variant is not expected to disrupt MSH6 protein function. This variant has not been reported in the literature in individuals affected with MSH6-related conditions.